The following is an entry in ClinVar:

ClinVar aggregate classification (germline): Uncertain significance (1 of 4 stars; one submission).

Allele frequency attached by ClinVar (database versions not stated): gnomAD exomes 0.00002; TOPMed 0.00002; ExAC 0.00002; gnomAD 0.00003.
gnomAD v4.1: 36 of 1,613,864 alleles (0.0022%); highest among the groups gnomAD compares: Middle Eastern, 0.016%; no homozygotes.

Submission:

Labcorp Genetics (formerly Invitae), Labcorp
Classification: Uncertain significance. Last evaluated: 2024-02-24. Review status: criteria provided, single submitter. Criteria: Invitae Variant Classification Sherloc (09022015). Collection method: clinical testing. Allele origin: germline.
Comment: This sequence change replaces arginine, which is basic and polar, with glutamine, which is neutral and polar, at codon 553 of the MAGI2 protein (p.Arg553Gln). This variant is present in population databases (rs759667457, gnomAD 0.01%). This variant has not been reported in the literature in individuals affected with MAGI2-related conditions. ClinVar contains an entry for this variant (Variation ID: 2054261). An algorithm developed to predict the effect of missense changes on protein structure and function (PolyPhen-2) suggests that this variant is likely to be disruptive. In summary, the available evidence is currently insufficient to determine the role of this variant in disease. Therefore, it has been classified as a Variant of Uncertain Significance.

NM_012301.4(MAGI2):c.1658G>A (p.Arg553Gln)

Gene: MAGI2 (membrane associated guanylate kinase, WW and PDZ domain containing 2; minus strand). Cytogenetic location: 7q21.11.
Variant type: single nucleotide variant.
Coding change: c.1658G>A on transcript NM_012301.4 (MANE Select); coding-DNA position 1658, G replaced by A.
Protein change: p.Arg553Gln; replaces arginine 553 with glutamine.
Molecular consequence: missense variant.
Genome position (GRCh38, 1-based): chr7:78,256,332, C>T on the plus strand (G>A on the coding strand, the complement: MAGI2 is on the minus strand). VCF-style: chr7-78256332-C-T. GRCh37 (hg19) VCF-style: chr7-77885649-C-T.
Other names: c.1658G>A, p.Arg553Gln (NM_001301128.2); short protein forms R553Q.
Identifiers: ClinVar variation 2054261 (VCV002054261.4), dbSNP rs759667457, ClinGen allele CA4313971.